The following is an entry in ClinVar:

NM_003620.4(PPM1D):c.1632C>G (p.Gly544=)

Gene: PPM1D (protein phosphatase, Mg2+/Mn2+ dependent 1D; plus strand). Cytogenetic location: 17q23.2.
Variant type: single nucleotide variant.
Coding change: c.1632C>G on transcript NM_003620.4 (MANE Select); coding-DNA position 1632, C replaced by G.
Protein change: p.Gly544=; no amino-acid change (glycine 544 retained).
Molecular consequence: synonymous variant.
Genome position (GRCh38, 1-based): chr17:60,663,366, C>G. VCF-style: chr17-60663366-C-G. GRCh37 (hg19) VCF-style: chr17-58740727-C-G.
Identifiers: ClinVar variation 2647993 (VCV002647993.24), dbSNP rs1304742106, ClinGen allele CA501333801.

ClinVar aggregate classification (germline): Likely benign (1 of 4 stars; one submission).

gnomAD v4.1: 1 of 1,614,112 alleles (0.000062%); highest among the groups gnomAD compares: Non-Finnish European, 0.000085%; no homozygotes.

Submission:

CeGaT Center for Human Genetics Tuebingen
Classification: Likely benign. Last evaluated: 2023-05-01. Review status: criteria provided, single submitter. Criteria: CeGaT Center For Human Genetics Tuebingen Variant Classification Criteria Version 2. Collection method: clinical testing. Allele origin: germline. Affected: yes. Observed: 1 variant allele.
Comment: PPM1D: PM2:Supporting, BP4, BP7